The following is an entry in ClinVar:

ClinVar aggregate classification (germline): Uncertain significance (1 of 4 stars; one submission).

Allele frequency attached by ClinVar (database versions not stated): TOPMed 0.00001; ExAC 0.00002.
gnomAD v4.1: 5 of 1,613,968 alleles (0.00031%); highest among the groups gnomAD compares: Non-Finnish European, 0.00042%; no homozygotes.

Submission:

Labcorp Genetics (formerly Invitae), Labcorp
Classification: Uncertain significance. Last evaluated: 2025-10-26. Review status: criteria provided, single submitter. Criteria: Invitae Variant Classification Sherloc (09022015). Collection method: clinical testing. Allele origin: germline.
Comment: This sequence change replaces proline, which is neutral and non-polar, with threonine, which is neutral and polar, at codon 15 of the TYRP1 protein (p.Pro15Thr). This variant is present in population databases (rs777584779, gnomAD 0.003%). This variant has not been reported in the literature in individuals affected with TYRP1-related conditions. ClinVar contains an entry for this variant (Variation ID: 1495710). Invitae Evidence Modeling of protein sequence and biophysical properties (such as structural, functional, and spatial information, amino acid conservation, physicochemical variation, residue mobility, and thermodynamic stability) indicates that this missense variant is not expected to disrupt TYRP1 protein function with a negative predictive value of 80%. In summary, the available evidence is currently insufficient to determine the role of this variant in disease. Therefore, it has been classified as a Variant of Uncertain Significance.

NM_000550.3(TYRP1):c.43C>A (p.Pro15Thr)

Gene: TYRP1 (tyrosinase related protein 1; plus strand). Cytogenetic location: 9p23.
Variant type: single nucleotide variant.
Coding change: c.43C>A on transcript NM_000550.3 (MANE Select); coding-DNA position 43, C replaced by A.
Protein change: p.Pro15Thr; replaces proline 15 with threonine.
Molecular consequence: missense variant.
Genome position (GRCh38, 1-based): chr9:12,694,039, C>A. VCF-style: chr9-12694039-C-A. GRCh37 (hg19) VCF-style: chr9-12694039-C-A.
Other names: short protein forms P15T.
Identifiers: ClinVar variation 1495710 (VCV001495710.7), dbSNP rs777584779, ClinGen allele CA4985092.